The following is an entry in ClinVar:

NM_001366686.3(SIK3):c.1644G>A (p.Arg548=)

Gene: SIK3 (SIK family kinase 3; minus strand). Cytogenetic location: 11q23.3.
Variant type: single nucleotide variant.
Coding change: c.1644G>A on transcript NM_001366686.3 (MANE Select); coding-DNA position 1644, G replaced by A.
Protein change: p.Arg548=; no amino-acid change (arginine 548 retained).
Molecular consequence: synonymous variant.
Genome position (GRCh38, 1-based): chr11:116,873,574, C>T on the plus strand (G>A on the coding strand, the complement: SIK3 is on the minus strand). VCF-style: chr11-116873574-C-T. GRCh37 (hg19) VCF-style: chr11-116744290-C-T.
Other names: c.1167G>A, p.Arg389= (NM_001281748.3); c.1500G>A, p.Arg500= (NM_001281749.3); c.1644G>A, p.Arg548= (NM_025164.6).
Identifiers: ClinVar variation 3044017 (VCV003044017.3), dbSNP rs138704851, ClinGen allele CA6290581.

ClinVar aggregate classification (germline): Likely benign. Review status: criteria provided, single submitter (1 of 4 stars). 2 submissions from 2 submitters: Likely benign (1). 1 of the submissions does not count toward it. Last evaluated 2024-09-23.

Conditions:
SIK3-related disorder. Also called: SIK3-related condition.

Allele frequency attached by ClinVar (database versions not stated): ESP Exome Variant Server 0.00008; gnomAD 0.00028; TOPMed 0.00036; 1000 Genomes Project 30x 0.00047; gnomAD exomes 0.00050; 1000 Genomes Project 0.00060; ExAC 0.00071.
gnomAD v4.1: 771 of 1,609,262 alleles (0.048%); highest among the groups gnomAD compares: Middle Eastern, 0.37%; 3 homozygotes.

Submissions (2):

Blueprint Genetics
Classification: Likely benign. Last evaluated: 2024-09-23. Review status: criteria provided, single submitter. Criteria: ACMG Guidelines, 2015. Collection method: clinical testing. Allele origin: germline.

PreventionGenetics, part of Exact Sciences
Classification: Likely benign for SIK3-related condition. Last evaluated: 2019-05-28. Review status: no assertion criteria provided. Collection method: clinical testing. Allele origin: germline. Not counted in ClinVar's aggregate classification.
Comment: This variant is classified as likely benign based on ACMG/AMP sequence variant interpretation guidelines (Richards et al. 2015 PMID: 25741868, with internal and published modifications).